The following is an entry in ClinVar:

ClinVar aggregate classification (germline): Uncertain significance (1 of 4 stars; one submission).

Allele frequency attached by ClinVar (database versions not stated): ExAC 0.00001; gnomAD exomes 0.00001; gnomAD 0.00002 and 0.00003; TOPMed 0.00003; ESP Exome Variant Server 0.00008.
gnomAD v4.1: 17 of 1,614,144 alleles (0.0011%); highest among the groups gnomAD compares: Non-Finnish European, 0.0014%; no homozygotes.

Submission:

Labcorp Genetics (formerly Invitae), Labcorp
Classification: Uncertain significance. Last evaluated: 2024-07-09. Review status: criteria provided, single submitter. Criteria: Invitae Variant Classification Sherloc (09022015). Collection method: clinical testing. Allele origin: germline.
Comment: This sequence change replaces serine, which is neutral and polar, with phenylalanine, which is neutral and non-polar, at codon 381 of the TNFAIP3 protein (p.Ser381Phe). This variant is present in population databases (rs371258341, gnomAD 0.003%). This variant has not been reported in the literature in individuals affected with TNFAIP3-related conditions. ClinVar contains an entry for this variant (Variation ID: 1473247). Advanced modeling of protein sequence and biophysical properties (such as structural, functional, and spatial information, amino acid conservation, physicochemical variation, residue mobility, and thermodynamic stability) performed at Invitae indicates that this missense variant is expected to disrupt TNFAIP3 protein function with a positive predictive value of 80%. In summary, the available evidence is currently insufficient to determine the role of this variant in disease. Therefore, it has been classified as a Variant of Uncertain Significance.

NM_001270508.2(TNFAIP3):c.1142C>T (p.Ser381Phe)

Gene: TNFAIP3 (TNF alpha induced protein 3; plus strand). Cytogenetic location: 6q23.3.
Variant type: single nucleotide variant.
Coding change: c.1142C>T on transcript NM_001270508.2 (MANE Select); coding-DNA position 1142, C replaced by T.
Protein change: p.Ser381Phe; replaces serine 381 with phenylalanine.
Molecular consequence: missense variant.
Genome position (GRCh38, 1-based): chr6:137,878,587, C>T. VCF-style: chr6-137878587-C-T. GRCh37 (hg19) VCF-style: chr6-138199724-C-T.
Other names: c.1142C>T, p.Ser381Phe (NM_001270507.2, NM_006290.4); short protein forms S381F.
Identifiers: ClinVar variation 1473247 (VCV001473247.8), dbSNP rs371258341, ClinGen allele CA4019579.
Genomic context (GRCh38, chr6:137,878,587, plus strand): 5'-AGCAGGGGAGGAGAGAGGGGCACGCCCAGAATCCCATGGAACCTTCCGTGCCCCAGCTTT[C>T]TCTCATGGATGTAAAATGTGAAACGCCCAACTGCCCCTTCTTCATGTCTGTGAACACCCA-3'
Protein context (NP_001257437.1, residues 371-391): NPMEPSVPQL[Ser381Phe]LMDVKCETPN